The following is an entry in ClinVar:

NM_000088.4(COL1A1):c.3207+1_3207+2del

Gene: COL1A1 (collagen type I alpha 1 chain; minus strand). Cytogenetic location: 17q21.33.
Variant type: Deletion.
Coding change: c.3207+1_3207+2del on transcript NM_000088.4 (MANE Select); the canonical splice donor site of the intron after coding-DNA position 3207, 2 bases deleted (GT; older notation c.3207+1_3207+2delGT).
Molecular consequence: splice donor variant.
Genome position (GRCh38, 1-based): chr17:50,188,528-50,188,529, AC deleted on the plus strand (GT on the coding strand, the reverse complement: COL1A1 is on the minus strand); deleting any 2 consecutive bases within chr17:50,188,528-50,188,530 gives the same sequence; the c. name uses the placement nearest the transcript's 3' end. VCF-style (leftmost placement, unchanged base first): chr17-50188527-TAC-T. GRCh37 (hg19) VCF-style: chr17-48265888-TAC-T.
Other names: c.3207+1_3207+2delGT (NM_000088.3).
Identifiers: ClinVar variation 423057 (VCV000423057.4), dbSNP rs1064796200, ClinGen allele CA16620473.

ClinVar aggregate classification (germline): Pathogenic. Review status: criteria provided, single submitter (1 of 4 stars). 2 submissions from 2 submitters: Pathogenic (1). 1 of the submissions does not count toward it. Last evaluated 2017-01-06.

Conditions:
Osteogenesis imperfecta, perinatal lethal (OI2). Also called: OSTEOGENESIS IMPERFECTA, TYPE II; OI, TYPE II; OSTEOGENESIS IMPERFECTA CONGENITA; VROLIK TYPE OF OSTEOGENESIS IMPERFECTA; Osteogenesis imperfecta type 2; Osteogenesis imperfecta, dominant perinatal lethal. Identifiers: Orphanet 216804, MedGen C0268358, MONDO:0008147, OMIM 166210.

Submissions (2):

GeneDx
Classification: Pathogenic. Last evaluated: 2017-01-06. Review status: criteria provided, single submitter. Criteria: GeneDx Variant Classification (06012015). Collection method: clinical testing. Allele origin: germline. Affected: yes.
Comment: The c.3207+1_3207+2delGT variant in the COL1A1 gene has not been reported previously as a pathogenic variant nor as a benign variant, to our knowledge. The c.3207+1_3207+2delGT variant results in the deletion of two nucleotides at the exon 43/intron 43 boundary, which destroys the canonical splice donor site in intron 43. It is predicted to cause abnormal gene splicing. The c.3207+1_3207+2delGT variant was not observed in approximately 6500 individuals of European and African American ancestry in the NHLBI Exome Sequencing Project, indicating it is not a common benign variant in these populations. Therefore, we interpret c.3207+1_3207+2delGT as a pathogenic variant

Genomics England Pilot Project, Genomics England
Classification: Likely pathogenic for Osteogenesis imperfecta, perinatal lethal. Review status: no assertion criteria provided. Criteria: ACGS Guidelines, 2016. Collection method: clinical testing. Allele origin: germline. Affected: yes. Not counted in ClinVar's aggregate classification.